The following is an entry in ClinVar:

ClinVar aggregate classification (germline): Uncertain significance. Review status: criteria provided, multiple submitters, no conflicts (2 of 4 stars). 3 submissions from 3 submitters: Uncertain significance (3). Last evaluated 2026-01-10.

Conditions:
Dilated cardiomyopathy 1GG (CMD1GG). Identifiers: Orphanet 154, MedGen C3150898, MONDO:0013339, OMIM 613642.
Neurodegeneration with ataxia and late-onset optic atrophy. Identifiers: MedGen C5543254, MONDO:0031006, OMIM 619259.
Mitochondrial complex II deficiency, nuclear type 1. Also called: SUCCINATE CoQ REDUCTASE DEFICIENCY. Identifiers: Orphanet 3208, MedGen C5700310, MONDO:0100294, OMIM 252011.
Pheochromocytoma/paraganglioma syndrome 5. Also called: SDHA-Related Hereditary Paraganglioma-Pheochromocytoma Syndrome; Paragangliomas 5. Identifiers: Orphanet 29072, MedGen C3279992, MONDO:0013602, OMIM 614165.
Hereditary cancer-predisposing syndrome. Also called: Neoplastic Syndromes, Hereditary; Hereditary Cancer Syndrome; Tumor predisposition; Hereditary neoplastic syndrome. Identifiers: Orphanet 140162, MedGen C0027672, MeSH D009386, MONDO:0015356.

Allele frequency attached by ClinVar (database versions not stated): gnomAD exomes below 0.00001; ExAC 0.00001; gnomAD 0.00001; TOPMed 0.00001.

Submissions (3):

Labcorp Genetics (formerly Invitae), Labcorp
Classification: Uncertain significance for Pheochromocytoma/paraganglioma syndrome 5; Mitochondrial complex II deficiency, nuclear type 1. Last evaluated: 2026-01-10. Review status: criteria provided, single submitter. Criteria: Invitae Variant Classification Sherloc (09022015). Collection method: clinical testing. Allele origin: germline.
Comment: This sequence change replaces asparagine, which is neutral and polar, with serine, which is neutral and polar, at codon 108 of the SDHA protein (p.Asn108Ser). This variant is present in population databases (rs758086385, gnomAD 0.0009%). This missense change has been observed in individual(s) with Paraganglioma-pheochromocytoma syndromes (PMID: 33362715). ClinVar contains an entry for this variant (Variation ID: 412326). Invitae Evidence Modeling of protein sequence and biophysical properties (such as structural, functional, and spatial information, amino acid conservation, physicochemical variation, residue mobility, and thermodynamic stability) indicates that this missense variant is not expected to disrupt SDHA protein function with a negative predictive value of 95%. In summary, the available evidence is currently insufficient to determine the role of this variant in disease. Therefore, it has been classified as a Variant of Uncertain Significance.

Ambry Genetics
Classification: Uncertain significance for Hereditary cancer-predisposing syndrome. Last evaluated: 2025-09-16. Review status: criteria provided, single submitter. Criteria: Ambry Variant Classification Scheme 2023. Collection method: clinical testing. Allele origin: germline.
Comment: The p.N108S variant (also known as c.323A>G), located in coding exon 4 of the SDHA gene, results from an A to G substitution at nucleotide position 323. The asparagine at codon 108 is replaced by serine, an amino acid with highly similar properties. This alteration was identified in an individual diagnosed with a pheochromocytoma (Ma X et al. Front Endocrinol (Lausanne), 2020 Dec;11:574662). This amino acid position is highly conserved in available vertebrate species. In addition, this alteration is predicted to be tolerated by in silico analysis. Based on the available evidence, the clinical significance of this variant remains unclear.

Fulgent Genetics
Classification: Uncertain significance for Mitochondrial complex II deficiency, nuclear type 1; Dilated cardiomyopathy 1GG; Pheochromocytoma/paraganglioma syndrome 5; Neurodegeneration with ataxia and late-onset optic atrophy. Last evaluated: 2024-02-22. Review status: criteria provided, single submitter. Criteria: ACMG Guidelines, 2015. Collection method: clinical testing. Allele origin: germline.

Literature cited by the submitters: PubMed 33362715 (cited by Labcorp Genetics (formerly Invitae), Labcorp and Ambry Genetics).

NM_004168.4(SDHA):c.323A>G (p.Asn108Ser)

Gene: SDHA (succinate dehydrogenase complex flavoprotein subunit A; plus strand). Cytogenetic location: 5p15.33.
Variant type: single nucleotide variant.
Coding change: c.323A>G on transcript NM_004168.4 (MANE Select); coding-DNA position 323, A replaced by G.
Protein change: p.Asn108Ser; replaces asparagine 108 with serine.
Molecular consequence: missense variant. On other transcripts: intron variant (1).
Genome position (GRCh38, 1-based): chr5:225,429, A>G. VCF-style: chr5-225429-A-G. GRCh37 (hg19) VCF-style: chr5-225544-A-G.
Other names: c.323A>G, p.Asn108Ser (NM_001330758.2); c.313-454A>G (NM_001294332.2); short protein forms N108S.
Identifiers: ClinVar variation 412326 (VCV000412326.17), dbSNP rs758086385, ClinGen allele CA3172800.
Genomic context (GRCh38, chr5:225,429, plus strand): 5'-AAAGTTGGCGCTCCTGTTTGTGGCTTGTAAGGAGTGGTTGGTGTTTCCAGGGAGGAATCA[A>G]TGCTGCTCTGGGGAACATGGAGGAGGACAACTGGAGGTGGCATTTCTACGACACCGTGAA-3'
Protein context (NP_004159.2, residues 98-118): SHTVAAQGGI[Asn108Ser]AALGNMEEDN